The following is an entry in ClinVar:

ClinVar aggregate classification (germline): Uncertain significance. Review status: criteria provided, multiple submitters, no conflicts (2 of 4 stars). 3 submissions from 3 submitters: Uncertain significance (3). Last evaluated 2025-02-24.

Conditions:
Inborn genetic diseases. Identifiers: MedGen C0950123, MeSH D030342.

Allele frequency attached by ClinVar (database versions not stated): gnomAD 0.00001; gnomAD exomes 0.00004 and 0.00014; TOPMed 0.00007; ExAC 0.00010.
gnomAD v4.1: 53 of 1,613,990 alleles (0.0033%); highest among the groups gnomAD compares: Admixed American, 0.067%; no homozygotes.

Submissions (3):

Ambry Genetics
Classification: Uncertain significance for Inborn genetic diseases. Last evaluated: 2025-02-24. Review status: criteria provided, single submitter. Criteria: Ambry Variant Classification Scheme 2023. Collection method: clinical testing. Allele origin: germline.

Labcorp Genetics (formerly Invitae), Labcorp
Classification: Uncertain significance. Last evaluated: 2024-12-02. Review status: criteria provided, single submitter. Criteria: Invitae Variant Classification Sherloc (09022015). Collection method: clinical testing. Allele origin: germline.
Comment: This sequence change replaces serine, which is neutral and polar, with leucine, which is neutral and non-polar, at codon 243 of the SPART protein (p.Ser243Leu). This variant is present in population databases (rs757350644, gnomAD 0.1%). This variant has not been reported in the literature in individuals affected with SPART-related conditions. ClinVar contains an entry for this variant (Variation ID: 1402022). Invitae Evidence Modeling of protein sequence and biophysical properties (such as structural, functional, and spatial information, amino acid conservation, physicochemical variation, residue mobility, and thermodynamic stability) indicates that this missense variant is not expected to disrupt SPART protein function with a negative predictive value of 80%. In summary, the available evidence is currently insufficient to determine the role of this variant in disease. Therefore, it has been classified as a Variant of Uncertain Significance.

Breakthrough Genomics
Classification: Uncertain significance. Review status: criteria provided, single submitter. Criteria: ACMG Guidelines, 2015. Collection method: not provided. Allele origin: germline. Inheritance: Autosomal recessive inheritance. Affected: yes.

NM_015087.5(SPART):c.728C>T (p.Ser243Leu)

Gene: SPART (spartin; minus strand). Cytogenetic location: 13q13.3.
Variant type: single nucleotide variant.
Coding change: c.728C>T on transcript NM_015087.5 (MANE Select); coding-DNA position 728, C replaced by T.
Protein change: p.Ser243Leu; replaces serine 243 with leucine.
Molecular consequence: missense variant.
Genome position (GRCh38, 1-based): chr13:36,335,103, G>A on the plus strand (C>T on the coding strand, the complement: SPART is on the minus strand). VCF-style: chr13-36335103-G-A. GRCh37 (hg19) VCF-style: chr13-36909240-G-A.
Other names: c.728C>T, p.Ser243Leu (NM_001142294.2, NM_001142295.2, NM_001142296.2); c.728C>T (NM_015087.4); short protein forms S243L.
Identifiers: ClinVar variation 1402022 (VCV001402022.7), dbSNP rs757350644, ClinGen allele CA6949587.